The following is an entry in ClinVar:

NM_000245.4(MET):c.3013G>A (p.Ala1005Thr)

Gene: MET (MET proto-oncogene, receptor tyrosine kinase; plus strand). Cytogenetic location: 7q31.2.
Variant type: single nucleotide variant.
Coding change: c.3013G>A on transcript NM_000245.4 (MANE Select); coding-DNA position 3013, G replaced by A.
Protein change: p.Ala1005Thr; replaces alanine 1005 with threonine.
Molecular consequence: missense variant.
Genome position (GRCh38, 1-based): chr7:116,771,974, G>A. VCF-style: chr7-116771974-G-A. GRCh37 (hg19) VCF-style: chr7-116412028-G-A.
Other names: c.3067G>A, p.Ala1023Thr (NM_001127500.3); c.1723G>A, p.Ala575Thr (NM_001324402.2); short protein forms A1023T, A575T, A1005T.
Identifiers: ClinVar variation 1429631 (VCV001429631.8), dbSNP rs2116997594, ClinGen allele CA368987462.

ClinVar aggregate classification (germline): Uncertain significance (1 of 4 stars; one submission).

Conditions:
Renal cell carcinoma. Identifiers: Orphanet 217071, MedGen C0007134, MeSH D002292, MONDO:0005086, HP:0005584.

Submission:

Labcorp Genetics (formerly Invitae), Labcorp
Classification: Uncertain significance for Renal cell carcinoma. Last evaluated: 2021-02-22. Review status: criteria provided, single submitter. Criteria: Invitae Variant Classification Sherloc (09022015). Collection method: clinical testing. Allele origin: germline.
Comment: This sequence change replaces alanine with threonine at codon 1023 of the MET protein (p.Ala1023Thr). The alanine residue is moderately conserved and there is a small physicochemical difference between alanine and threonine. This variant is not present in population databases (ExAC no frequency). This variant has not been reported in the literature in individuals with MET-related conditions. Algorithms developed to predict the effect of missense changes on protein structure and function are either unavailable or do not agree on the potential impact of this missense change (SIFT: "Tolerated"; PolyPhen-2: "Probably Damaging"; Align-GVGD: "Class C0"). In summary, the available evidence is currently insufficient to determine the role of this variant in disease. Therefore, it has been classified as a Variant of Uncertain Significance.